The following is an entry in ClinVar:

ClinVar aggregate classification (germline): Pathogenic (1 of 4 stars; one submission).

Conditions:
Cohen syndrome (COH1). Also called: Cutis verticis gyrata, retinitis pigmentosa, and sensorineural deafness; PEPPER SYNDROME. Identifiers: Orphanet 193, MedGen C0265223, MONDO:0008999, OMIM 216550.

Submission:

Labcorp Genetics (formerly Invitae), Labcorp
Classification: Pathogenic for Cohen syndrome. Last evaluated: 2022-10-21. Review status: criteria provided, single submitter. Criteria: Invitae Variant Classification Sherloc (09022015). Collection method: clinical testing. Allele origin: germline.
Comment: This variant is a gross deletion of the genomic region encompassing exon(s) 20-22 of the VPS13B gene. This deletion is out-of-frame, and is expected to create a premature termination codon and result in an absent or disrupted protein product. Loss-of-function variants in VPS13B are known to be pathogenic (PMID: 15141358, 16648375, 20461111). This variant has not been reported in the literature in individuals affected with VPS13B-related conditions. For these reasons, this variant has been classified as Pathogenic.

Literature cited by the submitters: PubMed 15141358; PubMed 16648375; PubMed 20461111.

NC_000008.10:g.(?_100396416)_(100443912_?)del

Gene: VPS13B (vacuolar protein sorting 13 homolog B; plus strand). Cytogenetic location: 8q22.2.
Variant type: Deletion.
Identifiers: ClinVar variation 2426408 (VCV002426408.3).